The following is an entry in ClinVar:

ClinVar aggregate classification (germline): Uncertain significance (1 of 4 stars; one submission).

Conditions:
Benign neonatal seizures. Also called: Benign familial neonatal seizures; Benign neonatal familial convulsions; Benign familial neonatal epilepsy; Convulsions benign familial neonatal dominant form; Autosomal dominant form of benign neonatal seizures. Identifiers: Orphanet 1949, MedGen C0220669, MONDO:0016027.

Allele frequency attached by ClinVar (database versions not stated): gnomAD 0.00002.
gnomAD v4.1: 5 of 1,597,390 alleles (0.00031%); highest among the groups gnomAD compares: Non-Finnish European, 0.00043%; no homozygotes.

Submission:

Labcorp Genetics (formerly Invitae), Labcorp
Classification: Uncertain significance for Benign neonatal seizures. Last evaluated: 2021-02-15. Review status: criteria provided, single submitter. Criteria: Invitae Variant Classification Sherloc (09022015). Collection method: clinical testing. Allele origin: germline.
Comment: This variant has not been reported in the literature in individuals with KCNQ3-related conditions. This sequence change replaces glycine with tryptophan at codon 65 of the KCNQ3 protein (p.Gly65Trp). The glycine residue is moderately conserved and there is a large physicochemical difference between glycine and tryptophan. This variant is not present in population databases (ExAC no frequency). Advanced modeling of protein sequence and biophysical properties (such as structural, functional, and spatial information, amino acid conservation, physicochemical variation, residue mobility, and thermodynamic stability) performed at Invitae indicates that this missense variant is expected to disrupt KCNQ3 protein function. In summary, the available evidence is currently insufficient to determine the role of this variant in disease. Therefore, it has been classified as a Variant of Uncertain Significance.

NM_004519.4(KCNQ3):c.193G>T (p.Gly65Trp)

Gene: KCNQ3 (potassium voltage-gated channel subfamily Q member 3; minus strand). Cytogenetic location: 8q24.22.
Variant type: single nucleotide variant.
Coding change: c.193G>T on transcript NM_004519.4 (MANE Select); coding-DNA position 193, G replaced by T.
Protein change: p.Gly65Trp; replaces glycine 65 with tryptophan.
Molecular consequence: missense variant.
Genome position (GRCh38, 1-based): chr8:132,480,340, C>A on the plus strand (G>T on the coding strand, the complement: KCNQ3 is on the minus strand). VCF-style: chr8-132480340-C-A. GRCh37 (hg19) VCF-style: chr8-133492587-C-A.
Other names: short protein forms G65W.
Identifiers: ClinVar variation 1402393 (VCV001402393.8), dbSNP rs549681789, ClinGen allele CA372292705.